The following is an entry in ClinVar:

ClinVar aggregate classification (germline): Uncertain significance (1 of 4 stars; one submission).

Allele frequency attached by ClinVar (database versions not stated): gnomAD 0.00001; TOPMed 0.00001; gnomAD exomes 0.00004 and 0.00007; ExAC 0.00009.
gnomAD v4.1: 63 of 1,590,088 alleles (0.004%); highest among the groups gnomAD compares: East Asian, 0.014%; no homozygotes.

Submission:

Labcorp Genetics (formerly Invitae), Labcorp
Classification: Uncertain significance. Last evaluated: 2022-06-30. Review status: criteria provided, single submitter. Criteria: Invitae Variant Classification Sherloc (09022015). Collection method: clinical testing. Allele origin: germline.
Comment: This sequence change replaces glycine, which is neutral and non-polar, with serine, which is neutral and polar, at codon 184 of the CFAP410 protein (p.Gly184Ser). This variant is present in population databases (rs750561947, gnomAD 0.03%). This variant has not been reported in the literature in individuals affected with CFAP410-related conditions. ClinVar contains an entry for this variant (Variation ID: 957757). Algorithms developed to predict the effect of missense changes on protein structure and function output the following: SIFT: "Tolerated"; PolyPhen-2: "Benign"; Align-GVGD: "Class C0". The serine amino acid residue is found in multiple mammalian species, which suggests that this missense change does not adversely affect protein function. In summary, the available evidence is currently insufficient to determine the role of this variant in disease. Therefore, it has been classified as a Variant of Uncertain Significance.

NM_004928.3(CFAP410):c.550G>A (p.Gly184Ser)

Gene: CFAP410 (cilia and flagella associated protein 410; minus strand). Cytogenetic location: 21q22.3.
Variant type: single nucleotide variant.
Coding change: c.550G>A on transcript NM_004928.3 (MANE Select); coding-DNA position 550, G replaced by A.
Protein change: p.Gly184Ser; replaces glycine 184 with serine.
Molecular consequence: missense variant.
Genome position (GRCh38, 1-based): chr21:44,330,915, C>T on the plus strand (G>A on the coding strand, the complement: CFAP410 is on the minus strand). VCF-style: chr21-44330915-C-T. GRCh37 (hg19) VCF-style: chr21-45750798-C-T.
Other names: c.547G>A, p.Gly183Ser (NM_001271440.2, NM_001271441.2); c.424G>A, p.Gly142Ser (NM_001271442.1); short protein forms G142S, G183S, G184S.
Identifiers: ClinVar variation 957757 (VCV000957757.7), dbSNP rs750561947, ClinGen allele CA10053604.